The following is an entry in ClinVar:

ClinVar aggregate classification (germline): Uncertain significance (1 of 4 stars; one submission).

Conditions:
Familial thoracic aortic aneurysm and aortic dissection (TAAD). Also called: Thoracic aortic aneurysms and dissections. Identifiers: Orphanet 91387, MedGen C4707243, MONDO:0019625.

Submission:

Labcorp Genetics (formerly Invitae), Labcorp
Classification: Uncertain significance for Familial thoracic aortic aneurysm and aortic dissection. Last evaluated: 2022-08-18. Review status: criteria provided, single submitter. Criteria: Invitae Variant Classification Sherloc (09022015). Collection method: clinical testing. Allele origin: germline.
Comment: This sequence change replaces lysine, which is basic and polar, with threonine, which is neutral and polar, at codon 102 of the MAT2A protein (p.Lys102Thr). This variant is not present in population databases (gnomAD no frequency). This variant has not been reported in the literature in individuals affected with MAT2A-related conditions. Algorithms developed to predict the effect of missense changes on protein structure and function (SIFT, PolyPhen-2, Align-GVGD) all suggest that this variant is likely to be disruptive. In summary, the available evidence is currently insufficient to determine the role of this variant in disease. Therefore, it has been classified as a Variant of Uncertain Significance.

NM_005911.6(MAT2A):c.305A>C (p.Lys102Thr)

Genes: GGCX (gamma-glutamyl carboxylase; minus strand), MAT2A (methionine adenosyltransferase 2A; plus strand). Cytogenetic location: 2p11.2.
Variant type: single nucleotide variant.
Coding change: c.305A>C on transcript NM_005911.6 (MANE Select); coding-DNA position 305, A replaced by C.
Protein change: p.Lys102Thr; replaces lysine 102 with threonine.
Molecular consequence: missense variant.
Genome position (GRCh38, 1-based): chr2:85,541,645, A>C. VCF-style: chr2-85541645-A-C. GRCh37 (hg19) VCF-style: chr2-85768768-A-C.
Other names: short protein forms K102T.
Identifiers: ClinVar variation 1716685 (VCV001716685.5), dbSNP rs2529630577, ClinGen allele CA347476254.
Genomic context (GRCh38, chr2:85,541,645, plus strand): 5'-GCAGGTATTTCTAGGACGTAAACAAGATGTTGTGTTTTTTGCTTATAGGTTTTGACTACA[A>C]GACTTGTAACGTGCTGGTAGCCTTGGAGCAACAGTCACCAGATATTGCTCAAGGTGTTCA-3'
Protein context (NP_005902.1, residues 92-112): YDDSSKGFDY[Lys102Thr]TCNVLVALEQ